The following is an entry in ClinVar:

ClinVar aggregate classification (germline): Pathogenic/Likely pathogenic. Review status: criteria provided, multiple submitters, no conflicts (2 of 4 stars). 5 submissions from 5 submitters: Pathogenic (2); Likely pathogenic (3). Last evaluated 2025-12-02.

Conditions:
Cardiovascular phenotype. Identifiers: MedGen CN230736.
Hereditary cancer-predisposing syndrome. Also called: Tumor predisposition; Neoplastic Syndromes, Hereditary; Hereditary Cancer Syndrome; Hereditary neoplastic syndrome. Identifiers: Orphanet 140162, MedGen C0027672, MeSH D009386, MONDO:0015356.
Neurofibromatosis, type 1 (NF1). Also called: NEUROFIBROMATOSIS, TYPE I, SOMATIC; VON RECKLINGHAUSEN DISEASE; Neurofibromatosis, type I; Peripheral type neurofibromatosis. Identifiers: Orphanet 636, MedGen C0027831, MONDO:0018975, OMIM 162200. Disease mechanism: loss of function.

Submissions (5):

Labcorp Genetics (formerly Invitae), Labcorp
Classification: Pathogenic for Neurofibromatosis, type 1. Last evaluated: 2025-12-02. Review status: criteria provided, single submitter. Criteria: Invitae Variant Classification Sherloc (09022015). Collection method: clinical testing. Allele origin: germline.
Comment: This sequence change replaces leucine, which is neutral and non-polar, with proline, which is neutral and non-polar, at codon 578 of the NF1 protein (p.Leu578Pro). This variant is not present in population databases (gnomAD no frequency). This missense change has been observed in individuals with neurofibromatosis type 1 (PMID: 16479075, 17426081). Invitae Evidence Modeling of clinical and family history, age, sex, and reported ancestry of multiple individuals with this NF1 variant has been performed. This variant is expected to be pathogenic with a positive predictive value of at least 99%. This is a validated machine learning model that incorporates the clinical features of 1,785,918 individuals referred to our laboratory for NF1 testing. ClinVar contains an entry for this variant (Variation ID: 485956). Invitae Evidence Modeling of protein sequence and biophysical properties (such as structural, functional, and spatial information, amino acid conservation, physicochemical variation, residue mobility, and thermodynamic stability) indicates that this missense variant is expected to disrupt NF1 protein function with a positive predictive value of 95%. This variant disrupts the p.Leu578 amino acid residue in NF1. Other variant(s) that disrupt this residue have been determined to be pathogenic (PMID: 12746402, 23668869, 25211147). This suggests that this residue is clinically significant, and that variants that disrupt this residue are likely to be disease-causing. For these reasons, this variant has been classified as Pathogenic.

Ambry Genetics
Classification: Pathogenic for Cardiovascular phenotype; Hereditary cancer-predisposing syndrome. Last evaluated: 2025-07-28. Review status: criteria provided, single submitter. Criteria: Ambry Variant Classification Scheme 2023. Collection method: clinical testing. Allele origin: germline.
Comment: The p.L578P pathogenic mutation (also known as c.1733T>C), located in coding exon 16 of the NF1 gene, results from a T to C substitution at nucleotide position 1733. The leucine at codon 578 is replaced by proline, an amino acid with similar properties. This variant was reported in individual(s) with features consistent with Neurofibromatosis type 1 (Jeong SY et al. J Korean Med Sci, 2006 Feb;21:107-12; Bausch B et al. J Clin Endocrinol Metab, 2007 Jul;92:2784-92; Ko JM et al. Pediatr Neurol, 2013 Jun;48:447-53; Kiel C et al. Mol Syst Biol, 2014 May;10:727; Xu M et al. Front Genet, 2018 Jul;9:270; Demir G&uuml;ndoan B et al. Turk J Med Sci, 2021 Aug; Ambry internal data). This missense alteration is located in a region that has a low rate of benign missense variation (Lek M et al. Nature. 2016 Aug 18;536(7616):285-91; DECIPHER: Database of Chromosomal Imbalance and Phenotype in Humans using Ensembl Resources. Firth H.V. et al. 2009. Am.J.Hum.Genet. 84, 524-533 (DOI)). This amino acid position is highly conserved in available vertebrate species. In addition, this alteration is predicted to be deleterious by in silico analysis. This variant is considered to be rare based on population cohorts in the Genome Aggregation Database (gnomAD). Based on the supporting evidence, this variant is interpreted as a disease-causing mutation.

GeneDx
Classification: Likely pathogenic. Last evaluated: 2024-08-14. Review status: criteria provided, single submitter. Criteria: GeneDx Variant Classification Process June 2021. Collection method: clinical testing. Allele origin: germline. Affected: yes.
Comment: In silico analysis supports that this missense variant has a deleterious effect on protein structure/function; Not observed at significant frequency in large population cohorts (gnomAD); This variant is associated with the following publications: (PMID: 24803665, 30703230, 16479075, 17426081, 25486365, 37751797, 23668869)

Medical Genetics, University of Parma
Classification: Likely pathogenic for Neurofibromatosis, type 1. Last evaluated: 2022-08-17. Review status: criteria provided, single submitter. Criteria: ACMG Guidelines, 2015. Collection method: clinical testing. Allele origin: germline. Inheritance: Autosomal dominant inheritance. Affected: yes.

MGZ Medical Genetics Center
Classification: Likely pathogenic for Neurofibromatosis, type 1. Last evaluated: 2021-11-11. Review status: criteria provided, single submitter. Criteria: ACMG Guidelines, 2015. Collection method: clinical testing. Allele origin: germline. Affected: yes. Observed: 1 variant allele.
Comment: ACMG criteria applied: PS4_MOD, PM5, PM2_SUP, PP3

Literature cited by the submitters: PubMed 16479075 (cited by Labcorp Genetics (formerly Invitae), Labcorp and Ambry Genetics); PubMed 17426081 (cited by Labcorp Genetics (formerly Invitae), Labcorp and Ambry Genetics); PubMed 12746402 (cited by Labcorp Genetics (formerly Invitae), Labcorp); PubMed 23668869 (cited by Labcorp Genetics (formerly Invitae), Labcorp and Ambry Genetics); PubMed 25211147 (cited by Labcorp Genetics (formerly Invitae), Labcorp); PubMed 24803665 (cited by Ambry Genetics); PubMed 30087692 (cited by Ambry Genetics); PubMed 34392670 (cited by Ambry Genetics).

NM_001042492.3(NF1):c.1733T>C (p.Leu578Pro)

Gene: NF1 (neurofibromin 1; plus strand). Cytogenetic location: 17q11.2.
Variant type: single nucleotide variant.
Coding change: c.1733T>C on transcript NM_001042492.3 (MANE Select); coding-DNA position 1733, T replaced by C.
Protein change: p.Leu578Pro; replaces leucine 578 with proline.
Molecular consequence: missense variant.
Genome position (GRCh38, 1-based): chr17:31,223,455, T>C. VCF-style: chr17-31223455-T-C. GRCh37 (hg19) VCF-style: chr17-29550473-T-C.
Other names: c.1733T>C, p.Leu578Pro (NM_000267.4); short protein forms L578P.
Identifiers: ClinVar variation 485956 (VCV000485956.16), dbSNP rs199474774, ClinGen allele CA399004013.